The following is an entry in ClinVar:

NM_000428.3(LTBP2):c.4055T>C (p.Met1352Thr)

Gene: LTBP2 (latent transforming growth factor beta binding protein 2; minus strand). Cytogenetic location: 14q24.3.
Variant type: single nucleotide variant.
Coding change: c.4055T>C on transcript NM_000428.3 (MANE Select); coding-DNA position 4055, T replaced by C.
Protein change: p.Met1352Thr; replaces methionine 1352 with threonine.
Molecular consequence: missense variant.
Genome position (GRCh38, 1-based): chr14:74,506,170, A>G on the plus strand (T>C on the coding strand, the complement: LTBP2 is on the minus strand). VCF-style: chr14-74506170-A-G. GRCh37 (hg19) VCF-style: chr14-74972873-A-G.
Other names: c.4055T>C (NM_000428.2); short protein forms M1352T.
Identifiers: ClinVar variation 2078528 (VCV002078528.3), dbSNP rs773899283, ClinGen allele CA7268885.
Genomic context (GRCh38, chr14:74,506,170, plus strand): 5'-CAGAGGCACAGGAAGGAGCCCTCCACGTTCTCACAGAGCGCGGCCCCACATACCGCCAGC[A>G]TAAGCTCACACTCGTTCACATCTGCCAGGTGTGAGAACAGGCTCGTGGGCAGAAAAGAGG-3'
Protein context (NP_000419.1, residues 1342-1362): DCVDVNECEL[Met1352Thr]LAVCGAALCE

ClinVar aggregate classification (germline): Uncertain significance. Review status: criteria provided, multiple submitters, no conflicts (2 of 4 stars). 2 submissions from 2 submitters: Uncertain significance (2). Last evaluated 2025-02-05.

Conditions:
Inborn genetic diseases. Identifiers: MedGen C0950123, MeSH D030342.

Allele frequency attached by ClinVar (database versions not stated): gnomAD 0.00005; gnomAD exomes 0.00007; TOPMed 0.00010; ExAC 0.00012.

Submissions (2):

Ambry Genetics
Classification: Uncertain significance for Inborn genetic diseases. Last evaluated: 2025-02-05. Review status: criteria provided, single submitter. Criteria: Ambry Variant Classification Scheme 2023. Collection method: clinical testing. Allele origin: germline.

Labcorp Genetics (formerly Invitae), Labcorp
Classification: Uncertain significance. Last evaluated: 2024-11-22. Review status: criteria provided, single submitter. Criteria: Invitae Variant Classification Sherloc (09022015). Collection method: clinical testing. Allele origin: germline.
Comment: This sequence change replaces methionine, which is neutral and non-polar, with threonine, which is neutral and polar, at codon 1352 of the LTBP2 protein (p.Met1352Thr). This variant is present in population databases (rs773899283, gnomAD 0.1%). This variant has not been reported in the literature in individuals affected with LTBP2-related conditions. ClinVar contains an entry for this variant (Variation ID: 2078528). An algorithm developed to predict the effect of missense changes on protein structure and function (PolyPhen-2) suggests that this variant is likely to be disruptive. In summary, the available evidence is currently insufficient to determine the role of this variant in disease. Therefore, it has been classified as a Variant of Uncertain Significance.